The following is an entry in ClinVar:

ClinVar aggregate classification (germline): Uncertain significance (1 of 4 stars; one submission).

Allele frequency attached by ClinVar (database versions not stated): gnomAD exomes below 0.00001.
gnomAD v4.1: 1 of 1,211,034 alleles (0.000083%); highest among the groups gnomAD compares: East Asian, 0.003%; no homozygotes.

Submission:

GeneDx
Classification: Uncertain significance. Last evaluated: 2023-08-16. Review status: criteria provided, single submitter. Criteria: GeneDx Variant Classification Process June 2021. Collection method: clinical testing. Allele origin: germline. Affected: yes.
Comment: Not observed at significant frequency in large population cohorts (gnomAD); In silico analysis supports that this missense variant does not alter protein structure/function; Has not been previously published as pathogenic or benign to our knowledge

NM_005334.3(HCFC1):c.2992G>A (p.Asp998Asn)

Gene: HCFC1 (host cell factor C1; minus strand). Cytogenetic location: Xq28.
Variant type: single nucleotide variant.
Coding change: c.2992G>A on transcript NM_005334.3 (MANE Select); coding-DNA position 2992, G replaced by A.
Protein change: p.Asp998Asn; replaces aspartic acid 998 with asparagine.
Molecular consequence: missense variant.
Genome position (GRCh38, 1-based): chrX:153,955,407, C>T on the plus strand (G>A on the coding strand, the complement: HCFC1 is on the minus strand). VCF-style: chrX-153955407-C-T. GRCh37 (hg19) VCF-style: chrX-153220858-C-T.
Other names: short protein forms D998N.
Identifiers: ClinVar variation 546209 (VCV000546209.4), dbSNP rs1557114563, ClinGen allele CA415126716.